The following is an entry in ClinVar:

NM_033380.3(COL4A5):c.511G>C (p.Gly171Arg)

Gene: COL4A5 (collagen type IV alpha 5 chain; plus strand). Cytogenetic location: Xq22.3.
Variant type: single nucleotide variant.
Coding change: c.511G>C on transcript NM_033380.3 (MANE Select); coding-DNA position 511, G replaced by C.
Protein change: p.Gly171Arg; replaces glycine 171 with arginine.
Molecular consequence: missense variant.
Genome position (GRCh38, 1-based): chrX:108,573,619, G>C. VCF-style: chrX-108573619-G-C. GRCh37 (hg19) VCF-style: chrX-107816849-G-C.
Other names: c.511G>C, p.Gly171Arg (NM_000495.5); c.511G>C (NM_000495.4); short protein forms G171R.
Identifiers: ClinVar variation 447213 (VCV000447213.7), dbSNP rs1556404027, ClinGen allele CA413920951.
Genomic context (GRCh38, chrX:108,573,619, plus strand): 5'-GATGGCTTCTTTTAGGGTGAACCAGGTAGTATAATTATGTCATCACTGCCAGGACCAAAG[G>C]GTAATCCAGGATATCCAGGTCCTCCTGGAATACAAGTAAGTATCCAGTGATTTTCTTTTT-3'
Protein context (NP_203699.1, residues 161-181): IIMSSLPGPK[Gly171Arg]NPGYPGPPGI

ClinVar aggregate classification (germline): Pathogenic/Likely pathogenic. Review status: criteria provided, multiple submitters, no conflicts (2 of 4 stars). 4 submissions from 4 submitters: Pathogenic (1); Likely pathogenic (3). Last evaluated 2025-09-02.

Conditions:
X-linked Alport syndrome (ATS1). Also called: COL4A5-Related Nephropathy; NEPHROPATHY AND DEAFNESS, X-LINKED. Identifiers: Orphanet 63, Orphanet 88917, MedGen C4746986, MONDO:0010520, OMIM 301050.

Allele frequency attached by ClinVar (database versions not stated): gnomAD exomes below 0.00001.
gnomAD v4.1: 1 of 1,205,057 alleles (0.000083%); highest among the groups gnomAD compares: Non-Finnish European, 0.00011%; no homozygotes.

Submissions (4):

Natera, Inc.
Classification: Likely pathogenic for X-linked Alport syndrome. Last evaluated: 2025-09-02. Review status: criteria provided, single submitter. Criteria: Natera Variant Classification Schema (03/2026). Collection method: clinical testing. Allele origin: germline.
Comment: The c.511G>C variant in COL4A5 is a missense variant predicted to cause substitution of glycine to arginine at amino acid 171. This variant is rare in the general population with a frequency below the threshold expected for the associated phenotype(s). This variant is located in a functionally critical region of the protein. A different variant at the same position has been determined to be Pathogenic or Likely Pathogenic. Computational prediction algorithms indicate this variant is likely to affect gene or protein function. Given the available evidence, this variant is classified as Likely Pathogenic.

Labcorp Genetics (formerly Invitae), Labcorp
Classification: Likely pathogenic. Last evaluated: 2025-07-09. Review status: criteria provided, single submitter. Criteria: Invitae Variant Classification Sherloc (09022015). Collection method: clinical testing. Allele origin: germline.
Comment: This sequence change replaces glycine, which is neutral and non-polar, with arginine, which is basic and polar, at codon 171 of the COL4A5 protein (p.Gly171Arg). This variant is not present in population databases (gnomAD no frequency). This missense change has been observed in individual(s) with Alport syndrome (internal data). ClinVar contains an entry for this variant (Variation ID: 447213). Invitae Evidence Modeling of protein sequence and biophysical properties (such as structural, functional, and spatial information, amino acid conservation, physicochemical variation, residue mobility, and thermodynamic stability) indicates that this missense variant is expected to disrupt COL4A5 protein function with a positive predictive value of 95%. This variant disrupts the triple helix domain of COL4A5. Glycine residues within the Gly-Xaa-Yaa repeats of the triple helix domain are required for the structure and stability of fibrillar collagens (PMID: 7695699, 8218237, 19344236). In COL4A5, missense variants at these glycine residues are significantly enriched in individuals with disease (PMID: 23720012, 27627812) compared to the general population (ExAC). This variant disrupts the p.Gly171 amino acid residue in COL4A5. Other variant(s) that disrupt this residue have been observed in individuals with COL4A5-related conditions (internal data), which suggests that this may be a clinically significant amino acid residue. In summary, the currently available evidence indicates that the variant is pathogenic, but additional data are needed to prove that conclusively. Therefore, this variant has been classified as Likely Pathogenic.

Fulgent Genetics
Classification: Likely pathogenic for X-linked Alport syndrome. Last evaluated: 2022-02-15. Review status: criteria provided, single submitter. Criteria: ACMG Guidelines, 2015. Collection method: clinical testing. Allele origin: unknown.

Athena Diagnostics
Classification: Pathogenic. Last evaluated: 2016-08-24. Review status: criteria provided, single submitter. Criteria: Athena Diagnostics Criteria. Collection method: clinical testing. Allele origin: germline.

Literature cited by the submitters: PubMed 7695699 (cited by Labcorp Genetics (formerly Invitae), Labcorp); PubMed 8218237 (cited by Labcorp Genetics (formerly Invitae), Labcorp); PubMed 19344236 (cited by Labcorp Genetics (formerly Invitae), Labcorp); PubMed 23720012 (cited by Labcorp Genetics (formerly Invitae), Labcorp); PubMed 27627812 (cited by Labcorp Genetics (formerly Invitae), Labcorp).